The following is an entry in ClinVar:

ClinVar aggregate classification (germline): Pathogenic (1 of 4 stars; one submission).

Submission:

Labcorp Genetics (formerly Invitae), Labcorp
Classification: Pathogenic. Last evaluated: 2025-01-11. Review status: criteria provided, single submitter. Criteria: Invitae Variant Classification Sherloc (09022015). Collection method: clinical testing. Allele origin: germline.
Comment: This sequence change creates a premature translational stop signal (p.Leu683Profs*35) in the PHEX gene. While this is not anticipated to result in nonsense mediated decay, it is expected to disrupt the last 67 amino acid(s) of the PHEX protein. This variant is not present in population databases (gnomAD no frequency). This variant has not been reported in the literature in individuals affected with PHEX-related conditions. This variant disrupts a region of the PHEX protein in which other variant(s) (p.Arg747*) have been determined to be pathogenic (PMID: 9199930, 9768674). This suggests that this is a clinically significant region of the protein, and that variants that disrupt it are likely to be disease-causing. For these reasons, this variant has been classified as Pathogenic.

Literature cited by the submitters: PubMed 9199930; PubMed 9768674.

NM_000444.6(PHEX):c.2042_2045dup (p.Leu683fs)

Genes: PHEX (phosphate regulating endopeptidase X-linked; plus strand), PTCHD1-AS (PTCHD1 and PHEX antisense RNA; minus strand). Cytogenetic location: Xp22.11.
Variant type: Duplication.
Coding change: c.2042_2045dup on transcript NM_000444.6 (MANE Select); coding-DNA positions 2042 to 2045, 4 bases duplicated (ACCA; older notation c.2042_2045dupACCA).
Protein change: p.Leu683fs; shifts the reading frame from leucine 683.
Molecular consequence: frameshift variant. On other transcripts: non-coding transcript variant (1).
Genome position (GRCh38, 1-based): chrX:22,227,583-22,227,586, ACCA duplicated; duplicating any 4 consecutive bases within chrX:22,227,581-22,227,586 gives the same sequence; the c. name uses the placement nearest the transcript's 3' end. VCF-style (leftmost placement, unchanged base first): chrX-22227580-A-ACAAC. GRCh37 (hg19) VCF-style: chrX-22245697-A-ACAAC.
Other names: c.2042_2045dup, p.Leu683fs (NM_001282754.2); short protein forms L683fs.
Identifiers: ClinVar variation 3728812 (VCV003728812.2).